The following is an entry in ClinVar:

NM_201596.3(CACNB2):c.804+176A>G

Gene: CACNB2 (calcium voltage-gated channel auxiliary subunit beta 2; plus strand). Cytogenetic location: 10p12.31.
Variant type: single nucleotide variant.
Coding change: c.804+176A>G on transcript NM_201596.3 (MANE Select); 176 bases into the intron after coding-DNA position 804, A replaced by G.
Molecular consequence: intron variant.
Genome position (GRCh38, 1-based): chr10:18,514,545, A>G. VCF-style: chr10-18514545-A-G. GRCh37 (hg19) VCF-style: chr10-18803474-A-G.
Other names: c.720+176A>G (NM_201571.4); c.606+15A>G (NM_001167945.2); c.587-435A>G (NM_201572.4); c.690+15A>G (NM_201593.3); c.671-435A>G (NM_201597.3); c.639+176A>G (NM_000724.4); c.525+15A>G (NM_001330060.2); c.642+176A>G (NM_201590.3); and 1 more.
Identifiers: ClinVar variation 385735 (VCV000385735.1), dbSNP rs372698667, ClinGen allele CA5429753.

ClinVar aggregate classification (germline): Likely benign (1 of 4 stars; one submission).

Allele frequency attached by ClinVar (database versions not stated): ExAC 0.00002; gnomAD 0.00002 and 0.00003; gnomAD exomes 0.00002 and 0.00005; TOPMed 0.00002; ESP Exome Variant Server 0.00008; 1000 Genomes Project 30x 0.00016; 1000 Genomes Project 0.00020.
gnomAD v4.1: 78 of 1,613,580 alleles (0.0048%); highest among the groups gnomAD compares: Non-Finnish European, 0.0064%; no homozygotes.

Submission:

GeneDx
Classification: Likely benign. Last evaluated: 2016-04-25. Review status: criteria provided, single submitter. Criteria: GeneDx Variant Classification (06012015). Collection method: clinical testing. Allele origin: germline. Affected: yes.
Comment: This variant is considered likely benign or benign based on one or more of the following criteria: it is a conservative change, it occurs at a poorly conserved position in the protein, it is predicted to be benign by multiple in silico algorithms, and/or has population frequency not consistent with disease.